The following is an entry in ClinVar:

ClinVar aggregate classification (germline): Uncertain significance (1 of 4 stars; one submission).

Conditions:
Bardet-Biedl syndrome (BBS). Identifiers: Orphanet 110, MedGen C0752166, MONDO:0015229.

Submission:

Labcorp Genetics (formerly Invitae), Labcorp
Classification: Uncertain significance for Bardet-Biedl syndrome. Last evaluated: 2022-08-23. Review status: criteria provided, single submitter. Criteria: Invitae Variant Classification Sherloc (09022015). Collection method: clinical testing. Allele origin: germline.
Comment: In summary, the available evidence is currently insufficient to determine the role of this variant in disease. Therefore, it has been classified as a Variant of Uncertain Significance. Algorithms developed to predict the effect of missense changes on protein structure and function (SIFT, PolyPhen-2, Align-GVGD) all suggest that this variant is likely to be disruptive. ClinVar contains an entry for this variant (Variation ID: 1472386). This variant has not been reported in the literature in individuals affected with BBS7-related conditions. This variant is not present in population databases (gnomAD no frequency). This sequence change replaces asparagine, which is neutral and polar, with tyrosine, which is neutral and polar, at codon 688 of the BBS7 protein (p.Asn688Tyr).

NM_176824.3(BBS7):c.2062A>T (p.Asn688Tyr)

Gene: BBS7 (Bardet-Biedl syndrome 7; minus strand). Cytogenetic location: 4q27.
Variant type: single nucleotide variant.
Coding change: c.2062A>T on transcript NM_176824.3 (MANE Select); coding-DNA position 2062, A replaced by T.
Protein change: p.Asn688Tyr; replaces asparagine 688 with tyrosine.
Molecular consequence: missense variant.
Genome position (GRCh38, 1-based): chr4:121,825,946, T>A on the plus strand (A>T on the coding strand, the complement: BBS7 is on the minus strand). VCF-style: chr4-121825946-T-A. GRCh37 (hg19) VCF-style: chr4-122747101-T-A.
Other names: short protein forms N688Y.
Identifiers: ClinVar variation 1472386 (VCV001472386.6), dbSNP rs2149045701, ClinGen allele CA358053658.
Genomic context (GRCh38, chr4:121,825,946, plus strand): 5'-ATGCATTTTGGTCATAACTGTCCAGAATTTCCAATAGAAGGGGTACTTTAGTTTTTACAT[T>A]GGTGCCTTTAAACTTAAATTTATCTATGAAAAGATCAGTGATCATGCCTTTAAAGAAAAA-3'
Protein context (NP_789794.1, residues 678-698): FIDKFKFKGT[Asn688Tyr]VKTKVPLLLE